The following is an entry in ClinVar:

ClinVar aggregate classification (germline): Likely pathogenic (1 of 4 stars; one submission).

Conditions:
Marfan syndrome (MFS). Also called: FBN1-Related Marfan Syndrome; MARFAN SYNDROME, TYPE I; Marfan syndrome type 1; Marfan's syndrome; Marfan syndrome, classic. Identifiers: Orphanet 284963, Orphanet 558, MedGen C0024796, MONDO:0007947, OMIM 154700.

Submission:

3billion
Classification: Likely pathogenic for Marfan syndrome. Last evaluated: 2026-01-26. Review status: criteria provided, single submitter. Criteria: ACMG Guidelines, 2015. Collection method: clinical testing. Allele origin: germline. Affected: yes.
Comment: The variant is not observed in the gnomAD v4.1.0 dataset. Predicted Consequence/Location: Stop-gained (nonsense): predicted to result in a loss or disruption of normal protein function through nonsense-mediated decay (NMD) or protein truncation. Multiple pathogenic variants are reported downstream of the variant. Therefore, this variant is classified as Likely pathogenic according to the recommendation of ACMG/AMP guideline.

NM_000138.5(FBN1):c.3826A>T (p.Lys1276Ter)

Gene: FBN1 (fibrillin 1; minus strand). Cytogenetic location: 15q21.1.
Variant type: single nucleotide variant.
Coding change: c.3826A>T on transcript NM_000138.5 (MANE Select); coding-DNA position 3826, A replaced by T.
Protein change: p.Lys1276Ter; replaces lysine 1276 with a stop codon.
Molecular consequence: nonsense.
Genome position (GRCh38, 1-based): chr15:48,483,830, T>A on the plus strand (A>T on the coding strand, the complement: FBN1 is on the minus strand). VCF-style: chr15-48483830-T-A. GRCh37 (hg19) VCF-style: chr15-48776027-T-A.
Other names: c.3826A>T, p.Lys1276Ter (NM_001406716.1); short protein forms K1276*.
Identifiers: ClinVar variation 4855346 (VCV004855346.1).
Genomic context (GRCh38, chr15:48,483,830, plus strand): 5'-GCTTATGACTAACAAGACAAGATGAAAAATTCTGTCTTCTTTGCTTACCTACACAAGTCT[T>A]CATGTCTTCAGATGCCATGAATCCATCATAACACAAGCACCTGTACTCTCCAGGGATATT-3'